The following is an entry in ClinVar:

ClinVar aggregate classification (germline): Uncertain significance (1 of 4 stars; one submission).

gnomAD v4.1: 5 of 1,613,432 alleles (0.00031%); highest among the groups gnomAD compares: Non-Finnish European, 0.00042%; no homozygotes.

Submission:

Ambry Genetics
Classification: Uncertain significance. Last evaluated: 2025-01-05. Review status: criteria provided, single submitter. Criteria: Ambry Variant Classification Scheme 2023. Collection method: clinical testing. Allele origin: germline.
Comment: The p.P1327T variant (also known as c.3979C>A), located in coding exon 18 of the WNK2 gene, results from a C to A substitution at nucleotide position 3979. The proline at codon 1327 is replaced by threonine, an amino acid with highly similar properties. This amino acid position is conserved. In addition, this alteration is predicted to be tolerated by in silico analysis. Based on the available evidence, the clinical significance of this variant remains unclear.

NM_006648.4(WNK2):c.3979C>A (p.Pro1327Thr)

Gene: WNK2 (WNK lysine deficient protein kinase 2; plus strand). Cytogenetic location: 9q22.31.
Variant type: single nucleotide variant.
Coding change: c.3979C>A on transcript NM_006648.4 (MANE Select); coding-DNA position 3979, C replaced by A.
Protein change: p.Pro1327Thr; replaces proline 1327 with threonine.
Molecular consequence: missense variant.
Genome position (GRCh38, 1-based): chr9:93,268,692, C>A. VCF-style: chr9-93268692-C-A. GRCh37 (hg19) VCF-style: chr9-96030974-C-A.
Other names: c.3979C>A, p.Pro1327Thr (NM_001282394.3); short protein forms P1327T.
Identifiers: ClinVar variation 3816734 (VCV003816734.1).